The following is an entry in ClinVar:

ClinVar aggregate classification (germline): Uncertain significance (1 of 4 stars; one submission).

Conditions:
NRIP1-related disorder. Also called: NRIP1-related condition.

gnomAD v4.1: 1 of 1,614,116 alleles (0.000062%); highest among the groups gnomAD compares: Admixed American, 0.0017%; no homozygotes.

Submission:

PreventionGenetics, part of Exact Sciences
Classification: Uncertain significance for NRIP1-related condition. Last evaluated: 2026-07-26. Review status: criteria provided, single submitter. Criteria: ACMG Guidelines, 2015. Collection method: clinical testing. Allele origin: germline.
Comment: The NRIP1 c.1409C>T variant is predicted to result in the amino acid substitution p.Thr470Ile. To our knowledge, this variant has not been reported in the literature. This variant is reported in 0.0029% of alleles in individuals of Latino descent in gnomAD. At this time, the clinical significance of this variant is uncertain due to the absence of conclusive functional and genetic evidence.

NM_003489.4(NRIP1):c.1409C>T (p.Thr470Ile)

Gene: NRIP1 (nuclear receptor interacting protein 1; minus strand). Cytogenetic location: 21q11.2.
Variant type: single nucleotide variant.
Coding change: c.1409C>T on transcript NM_003489.4 (MANE Select); coding-DNA position 1409, C replaced by T.
Protein change: p.Thr470Ile; replaces threonine 470 with isoleucine.
Molecular consequence: missense variant.
Genome position (GRCh38, 1-based): chr21:14,966,784, G>A on the plus strand (C>T on the coding strand, the complement: NRIP1 is on the minus strand). VCF-style: chr21-14966784-G-A. GRCh37 (hg19) VCF-style: chr21-16339105-G-A.
Other names: c.1409C>T, p.Thr470Ile (NM_001439275.1, NM_001439276.1, NM_001439277.1 and 10 more transcripts); short protein forms T470I.
Identifiers: ClinVar variation 4993441 (VCV004993441.1).
Genomic context (GRCh38, chr21:14,966,784, plus strand): 5'-GAATTCTTTGAGGTATCTTGATCTTCTTTGATATCTACATCTGGGACTTTTGGATCCCAA[G>A]TGTTTAGCAAGGATTGAGTGAAGTTATCCAGGGAAACAGGTTGGTCAGATTCTGATTTTT-3'
Protein context (NP_003480.2, residues 460-480): LDNFTQSLLN[Thr470Ile]WDPKVPDVDI